The following is an entry in ClinVar:

NM_138295.5(PKD1L1):c.5552+1G>A

Gene: PKD1L1 (polycystin 1 like 1, transient receptor potential channel interacting; minus strand). Cytogenetic location: 7p12.3.
Variant type: single nucleotide variant.
Coding change: c.5552+1G>A on transcript NM_138295.5 (MANE Select); the canonical splice donor site of the intron after coding-DNA position 5552, G replaced by A.
Molecular consequence: splice donor variant.
Genome position (GRCh38, 1-based): chr7:47,840,460, C>T on the plus strand (G>A on the coding strand, the complement: PKD1L1 is on the minus strand). VCF-style: chr7-47840460-C-T. GRCh37 (hg19) VCF-style: chr7-47880058-C-T.
Identifiers: ClinVar variation 2631056 (VCV002631056.1), dbSNP rs971735211, ClinGen allele CA158066809.

ClinVar aggregate classification (germline): Likely pathogenic (1 of 4 stars; one submission).

Conditions:
PKD1L1-related disorder. Also called: PKD1L1-related condition.

Allele frequency attached by ClinVar (database versions not stated): gnomAD exomes below 0.00001.
gnomAD v4.1: 1 of 1,610,154 alleles (0.000062%); highest among the groups gnomAD compares: African/African-American, 0.0013%; no homozygotes.

Submission:

PreventionGenetics, part of Exact Sciences
Classification: Likely pathogenic for PKD1L1-related condition. Last evaluated: 2023-09-05. Review status: criteria provided, single submitter. Criteria: ACMG Guidelines, 2015. Collection method: clinical testing. Allele origin: germline.
Comment: The PKD1L1 c.5552+1G>A variant is predicted to disrupt the GT donor site and interfere with normal splicing. To our knowledge, this variant has not been reported in the literature or in a large population database, indicating this variant is rare. Variants that disrupt the consensus splice donor site in PKD1L1 are expected to be pathogenic. This variant is interpreted as likely pathogenic.